The following is an entry in ClinVar:

NM_001388419.1(KALRN):c.7236G>A (p.Ala2412=)

Gene: KALRN (kalirin RhoGEF kinase; plus strand). Cytogenetic location: 3q21.2.
Variant type: single nucleotide variant.
Coding change: c.7236G>A on transcript NM_001388419.1 (MANE Select); coding-DNA position 7236, G replaced by A.
Protein change: p.Ala2412=; no amino-acid change (alanine 2412 retained).
Molecular consequence: synonymous variant.
Genome position (GRCh38, 1-based): chr3:124,678,232, G>A. VCF-style: chr3-124678232-G-A. GRCh37 (hg19) VCF-style: chr3-124397079-G-A.
Other names: c.7236G>A, p.Ala2412= (NM_001024660.5); c.2142G>A, p.Ala714= (NM_001322993.2); c.2145G>A, p.Ala715= (NM_007064.5).
Identifiers: ClinVar variation 3035464 (VCV003035464.2), dbSNP rs759771956, ClinGen allele CA2581078.

ClinVar aggregate classification (germline): Likely benign (0 of 4 stars; one submission).

Conditions:
KALRN-related disorder. Also called: KALRN-related condition.

Allele frequency attached by ClinVar (database versions not stated): gnomAD 0.00001; gnomAD exomes 0.00001; ExAC 0.00002; TOPMed 0.00002.
gnomAD v4.1: 16 of 1,613,918 alleles (0.00099%); highest among the groups gnomAD compares: Admixed American, 0.0067%; no homozygotes.

Submission:

PreventionGenetics, part of Exact Sciences
Classification: Likely benign for KALRN-related condition. Last evaluated: 2019-08-06. Review status: no assertion criteria provided. Collection method: clinical testing. Allele origin: germline.
Comment: This variant is classified as likely benign based on ACMG/AMP sequence variant interpretation guidelines (Richards et al. 2015 PMID: 25741868, with internal and published modifications).